The following is an entry in ClinVar:

NM_001375808.2(LPIN2):c.*90C>T

Gene: LPIN2 (lipin 2; minus strand). Cytogenetic location: 18p11.31.
Variant type: single nucleotide variant.
Coding change: c.*90C>T on transcript NM_001375808.2 (MANE Select); 90 bases downstream of the stop codon, C replaced by T.
Molecular consequence: 3 prime UTR variant.
Genome position (GRCh38, 1-based): chr18:2,920,203, G>A on the plus strand (C>T on the coding strand, the complement: LPIN2 is on the minus strand). VCF-style: chr18-2920203-G-A. GRCh37 (hg19) VCF-style: chr18-2920201-G-A.
Other names: c.*90C>T (NM_001375809.1, NM_014646.2).
Identifiers: ClinVar variation 888926 (VCV000888926.36), dbSNP rs547359065, ClinGen allele CA295493680.
Genomic context (GRCh38, chr18:2,920,203, plus strand): 5'-CTGGGAAGGCAAAGGAGGATGGCGGGACCAGCTCCAGAAGCACCCGTCCCCGCTGGGGAA[G>A]GCTGGTATCTGAGGTCAGCAGAAGAGCCAGCTGCCTTCCCTTGCTGTGGGGAGGGGGACC-3'

ClinVar aggregate classification (germline): Conflicting classifications of pathogenicity. Review status: criteria provided, conflicting classifications (1 of 4 stars). 3 submissions from 3 submitters: Uncertain significance (1); Benign (1); Likely benign (1). Last evaluated 2022-08-01.

Conditions:
Majeed syndrome (MJDS). Also called: CHRONIC RECURRENT MULTIFOCAL OSTEOMYELITIS 1, WITH CONGENITAL DYSERYTHROPOIETIC ANEMIA, WITH OR WITHOUT NEUTROPHILIC DERMATOSIS; LPIN2-Related Majeed Syndrome. Identifiers: Orphanet 77297, MedGen C1864997, MONDO:0012316, OMIM 609628.

Allele frequency attached by ClinVar (database versions not stated): 1000 Genomes Project 0.00260; 1000 Genomes Project 30x 0.00265; TOPMed 0.00272; gnomAD exomes 0.00425.
gnomAD v4.1: 6,712 of 1,559,358 alleles (0.43%); highest among the groups gnomAD compares: Middle Eastern, 0.52%; 37 homozygotes.

Submissions (3):

CeGaT Center for Human Genetics Tuebingen
Classification: Benign. Last evaluated: 2022-08-01. Review status: criteria provided, single submitter. Criteria: CeGaT Center For Human Genetics Tuebingen Variant Classification Criteria Version 2. Collection method: clinical testing. Allele origin: germline. Affected: yes. Observed: 1 variant allele.
Comment: LPIN2: BS1, BS2

GeneDx
Classification: Likely benign. Last evaluated: 2018-06-26. Review status: criteria provided, single submitter. Criteria: GeneDx Variant Classification Process June 2021. Collection method: clinical testing. Allele origin: germline. Affected: yes.

Illumina Laboratory Services, Illumina
Classification: Uncertain significance for Majeed syndrome. Last evaluated: 2018-01-12. Review status: criteria provided, single submitter. Criteria: ICSL Variant Classification Criteria 13 December 2019. Collection method: clinical testing. Allele origin: germline.